The following is an entry in ClinVar:

NM_001020658.2(PUM1):c.1607C>T (p.Ala536Val)

Gene: PUM1 (pumilio RNA binding family member 1; minus strand). Cytogenetic location: 1p35.2.
Variant type: single nucleotide variant.
Coding change: c.1607C>T on transcript NM_001020658.2 (MANE Select); coding-DNA position 1607, C replaced by T.
Protein change: p.Ala536Val; replaces alanine 536 with valine.
Molecular consequence: missense variant.
Genome position (GRCh38, 1-based): chr1:30,968,392, G>A on the plus strand (C>T on the coding strand, the complement: PUM1 is on the minus strand). VCF-style: chr1-30968392-G-A. GRCh37 (hg19) VCF-style: chr1-31441239-G-A.
Other names: c.1607C>T, p.Ala536Val (NM_014676.3); short protein forms A536V.
Identifiers: ClinVar variation 4628650 (VCV004628650.3).
Genomic context (GRCh38, chr1:30,968,392, plus strand): 5'-AGGAATAACAATGCAGCCGCACCTGGCATGCCTGCTGCCAGACCTTGTCCAAATGCAAGG[G>A]CAGAATTCACTGCTGCAGCTGCCACAAGGGGATCCGTTTGCTGTCCCTGCTGGTTCTGGT-3'
Protein context (NP_001018494.1, residues 526-546): PLVAAAAVNS[Ala536Val]LAFGQGLAAG

ClinVar aggregate classification (germline): Uncertain significance. Review status: criteria provided, multiple submitters, no conflicts (2 of 4 stars). 2 submissions from 2 submitters: Uncertain significance (2). Last evaluated 2025-12-11.

Conditions:
Spinocerebellar ataxia 47 (NEDMSF). Also called: PADDAS SYNDROME; neurodevelopmental disorder with motor abnormalities, seizures, and facial dysmorphism. Identifiers: Orphanet 642747, MedGen C4693672, MONDO:0033482, OMIM 620719.
Inborn genetic diseases. Identifiers: MedGen C0950123, MeSH D030342.

gnomAD v4.1: 2 of 1,592,264 alleles (0.00013%); highest among the groups gnomAD compares: African/African-American, 0.0014%; no homozygotes.

Submissions (2):

Ambry Genetics
Classification: Uncertain significance for Inborn genetic diseases. Last evaluated: 2025-12-11. Review status: criteria provided, single submitter. Criteria: Ambry Variant Classification Scheme 2023. Collection method: clinical testing. Allele origin: germline.

Dasa
Classification: Uncertain significance for neurodevelopmental disorder with motor abnormalities, seizures, and facial dysmorphism. Last evaluated: 2025-11-07. Review status: criteria provided, single submitter. Criteria: DASA Assertion Criteria. Collection method: clinical testing. Allele origin: germline.
Comment: NM_001020658.2(PUM1):c.1607C>T (p.Ala536Val) is a missense variant that results in the substitution of alanine with valine. This variant is rare in population databases. The currently available literature and clinical evidence are not sufficient to establish a definitive association between this variant and the reported condition. Therefore, this variant is classified as a variant of uncertain significance.